The following is an entry in ClinVar:

NM_014795.4(ZEB2):c.2325G>A (p.Leu775=)

Gene: ZEB2 (zinc finger E-box binding homeobox 2; minus strand). Cytogenetic location: 2q22.3.
Variant type: single nucleotide variant.
Coding change: c.2325G>A on transcript NM_014795.4 (MANE Select); coding-DNA position 2325, G replaced by A.
Protein change: p.Leu775=; no amino-acid change (leucine 775 retained).
Molecular consequence: synonymous variant.
Genome position (GRCh38, 1-based): chr2:144,398,862, C>T on the plus strand (G>A on the coding strand, the complement: ZEB2 is on the minus strand). VCF-style: chr2-144398862-C-T. GRCh37 (hg19) VCF-style: chr2-145156429-C-T.
Other names: c.2253G>A, p.Leu751= (NM_001171653.2).
Identifiers: ClinVar variation 466280 (VCV000466280.11), dbSNP rs1553961560, ClinGen allele CA429445501.

ClinVar aggregate classification (germline): Likely benign. Review status: criteria provided, single submitter (1 of 4 stars). 2 submissions from 2 submitters: Likely benign (1). 1 of the submissions does not count toward it. Last evaluated 2022-04-23.

Conditions:
ZEB2-related disorder. Also called: ZEB2-related condition.
Mowat-Wilson syndrome (MOWS). Also called: Classic Mowat-Wilson Syndrome. Identifiers: Orphanet 2152, MedGen C1856113, MONDO:0009341, OMIM 235730.

Allele frequency attached by ClinVar (database versions not stated): gnomAD exomes below 0.00001; gnomAD 0.00001.
gnomAD v4.1: 9 of 1,613,962 alleles (0.00056%); highest among the groups gnomAD compares: African/African-American, 0.0027%; no homozygotes.

Submissions (2):

Labcorp Genetics (formerly Invitae), Labcorp
Classification: Likely benign for Mowat-Wilson syndrome. Last evaluated: 2022-04-23. Review status: criteria provided, single submitter. Criteria: Invitae Variant Classification Sherloc (09022015). Collection method: clinical testing. Allele origin: germline.

PreventionGenetics, part of Exact Sciences
Classification: Likely benign for ZEB2-related condition. Last evaluated: 2022-10-05. Review status: no assertion criteria provided. Collection method: clinical testing. Allele origin: germline. Not counted in ClinVar's aggregate classification.
Comment: This variant is classified as likely benign based on ACMG/AMP sequence variant interpretation guidelines (Richards et al. 2015 PMID: 25741868, with internal and published modifications).